The following is an entry in ClinVar:

NM_015338.6(ASXL1):c.893A>G (p.Asp298Gly)

Gene: ASXL1 (ASXL transcriptional regulator 1; plus strand). Cytogenetic location: 20q11.21.
Variant type: single nucleotide variant.
Coding change: c.893A>G on transcript NM_015338.6 (MANE Select); coding-DNA position 893, A replaced by G.
Protein change: p.Asp298Gly; replaces aspartic acid 298 with glycine.
Molecular consequence: missense variant.
Genome position (GRCh38, 1-based): chr20:32,431,593, A>G. VCF-style: chr20-32431593-A-G. GRCh37 (hg19) VCF-style: chr20-31019396-A-G.
Other names: c.710A>G, p.Asp237Gly (NM_001363734.1); short protein forms D237G, D298G.
Identifiers: ClinVar variation 2710517 (VCV002710517.4), dbSNP rs2123237222, ClinGen allele CA408554007.

ClinVar aggregate classification (germline): Uncertain significance. Review status: criteria provided, multiple submitters, no conflicts (2 of 4 stars). 2 submissions from 2 submitters: Uncertain significance (2). Last evaluated 2025-08-04.

Conditions:
Inborn genetic diseases. Identifiers: MedGen C0950123, MeSH D030342.

Submissions (2):

Ambry Genetics
Classification: Uncertain significance for Inborn genetic diseases. Last evaluated: 2025-08-04. Review status: criteria provided, single submitter. Criteria: Ambry Variant Classification Scheme 2023. Collection method: clinical testing. Allele origin: germline.
Comment: The p.D298G variant (also known as c.893A>G), located in coding exon 10 of the ASXL1 gene, results from an A to G substitution at nucleotide position 893. The aspartic acid at codon 298 is replaced by glycine, an amino acid with similar properties. This amino acid position is conserved. In addition, the in silico prediction for this alteration is inconclusive. Based on the available evidence, the clinical significance of this variant remains unclear.

Labcorp Genetics (formerly Invitae), Labcorp
Classification: Uncertain significance. Last evaluated: 2024-01-20. Review status: criteria provided, single submitter. Criteria: Invitae Variant Classification Sherloc (09022015). Collection method: clinical testing. Allele origin: germline.
Comment: This sequence change replaces aspartic acid, which is acidic and polar, with glycine, which is neutral and non-polar, at codon 298 of the ASXL1 protein (p.Asp298Gly). This variant is not present in population databases (gnomAD no frequency). This variant has not been reported in the literature in individuals affected with ASXL1-related conditions. An algorithm developed to predict the effect of missense changes on protein structure and function (PolyPhen-2) suggests that this variant is likely to be disruptive. In summary, the available evidence is currently insufficient to determine the role of this variant in disease. Therefore, it has been classified as a Variant of Uncertain Significance.